The following is an entry in ClinVar:

NM_000038.6(APC):c.1661G>T (p.Arg554Leu)

Gene: APC (APC regulator of Wnt signaling pathway; plus strand). Cytogenetic location: 5q22.2.
Variant type: single nucleotide variant.
Coding change: c.1661G>T on transcript NM_000038.6 (MANE Select); coding-DNA position 1661, G replaced by T.
Protein change: p.Arg554Leu; replaces arginine 554 with leucine.
Molecular consequence: missense variant.
Genome position (GRCh38, 1-based): chr5:112,828,890, G>T. VCF-style: chr5-112828890-G-T. GRCh37 (hg19) VCF-style: chr5-112164587-G-T.
Other names: c.1661G>T, p.Arg554Leu (NM_001127510.3, NM_001354895.2, NM_001407450.1); c.1607G>T, p.Arg536Leu (NM_001127511.3); c.1715G>T, p.Arg572Leu (NM_001354896.2, NM_001407447.1, NM_001407448.1 and 1 more transcripts); c.1691G>T, p.Arg564Leu (NM_001354897.2); c.1586G>T, p.Arg529Leu (NM_001354898.2); c.1577G>T, p.Arg526Leu (NM_001354899.2); c.1538G>T, p.Arg513Leu (NM_001354900.2); c.1484G>T, p.Arg495Leu (NM_001354901.2, NM_001407453.1); and 11 more; short protein forms R428L, R471L, R529L, R271L, R425L, R495L, R513L, R526L.
Identifiers: ClinVar variation 1777498 (VCV001777498.3), dbSNP rs1371086615, ClinGen allele CA16024939.

ClinVar aggregate classification (germline): Uncertain significance. Review status: criteria provided, multiple submitters, no conflicts (2 of 4 stars). 2 submissions from 2 submitters: Uncertain significance (2). Last evaluated 2023-08-18.

Conditions:
Hereditary cancer-predisposing syndrome. Also called: Neoplastic Syndromes, Hereditary; Tumor predisposition; Hereditary Cancer Syndrome; Hereditary neoplastic syndrome. Identifiers: Orphanet 140162, MedGen C0027672, MeSH D009386, MONDO:0015356.
Familial adenomatous polyposis 1 (FAP1). Also called: FAMILIAL ADENOMATOUS POLYPOSIS 1, ATTENUATED; POLYPOSIS, ADENOMATOUS INTESTINAL. Identifiers: MedGen C2713442, MONDO:0021056, OMIM 175100. Disease mechanism: loss of function.

Submissions (2):

Baylor Genetics
Classification: Uncertain significance for Familial adenomatous polyposis 1. Last evaluated: 2023-08-18. Review status: criteria provided, single submitter. Criteria: ACMG Guidelines, 2015. Collection method: clinical testing. Allele origin: unknown.

Ambry Genetics
Classification: Uncertain significance for Hereditary cancer-predisposing syndrome. Last evaluated: 2021-09-17. Review status: criteria provided, single submitter. Criteria: Ambry Variant Classification Scheme 2023. Collection method: clinical testing. Allele origin: germline.
Comment: The p.R554L variant (also known as c.1661G>T), located in coding exon 13 of the APC gene, results from a G to T substitution at nucleotide position 1661. The arginine at codon 554 is replaced by leucine, an amino acid with dissimilar properties. This amino acid position is highly conserved in available vertebrate species. In addition, in silico predictors for this gene do not accurately predict pathogenicity. Since supporting evidence is limited at this time, the clinical significance of this alteration remains unclear.